The following is an entry in ClinVar:

ClinVar aggregate classification (germline): Uncertain significance (1 of 4 stars; one submission).

gnomAD v4.1: 9 of 1,614,140 alleles (0.00056%); highest among the groups gnomAD compares: Admixed American, 0.0017%; no homozygotes.

Submission:

Labcorp Genetics (formerly Invitae), Labcorp
Classification: Uncertain significance. Last evaluated: 2024-05-02. Review status: criteria provided, single submitter. Criteria: Invitae Variant Classification Sherloc (09022015). Collection method: clinical testing. Allele origin: germline.
Comment: This sequence change replaces lysine, which is basic and polar, with arginine, which is basic and polar, at codon 2217 of the TRRAP protein (p.Lys2217Arg). This variant is present in population databases (no rsID available, gnomAD 0.003%). This variant has not been reported in the literature in individuals affected with TRRAP-related conditions. Advanced modeling of protein sequence and biophysical properties (such as structural, functional, and spatial information, amino acid conservation, physicochemical variation, residue mobility, and thermodynamic stability) performed at Invitae indicates that this missense variant is not expected to disrupt TRRAP protein function with a negative predictive value of 80%. In summary, the available evidence is currently insufficient to determine the role of this variant in disease. Therefore, it has been classified as a Variant of Uncertain Significance.

NM_001375524.1(TRRAP):c.6725A>G (p.Lys2242Arg)

Gene: TRRAP (transformation/transcription domain associated protein; plus strand). Cytogenetic location: 7q22.1.
Variant type: single nucleotide variant.
Coding change: c.6725A>G on transcript NM_001375524.1 (MANE Select); coding-DNA position 6725, A replaced by G.
Protein change: p.Lys2242Arg; replaces lysine 2242 with arginine.
Molecular consequence: missense variant.
Genome position (GRCh38, 1-based): chr7:98,962,323, A>G. VCF-style: chr7-98962323-A-G. GRCh37 (hg19) VCF-style: chr7-98559946-A-G.
Other names: c.6704A>G, p.Lys2235Arg (NM_001244580.2); c.6650A>G, p.Lys2217Arg (NM_003496.4); short protein forms K2235R, K2217R, K2242R.
Identifiers: ClinVar variation 3699863 (VCV003699863.2).
Genomic context (GRCh38, chr7:98,962,323, plus strand): 5'-AGCCATAACCACAGTGCCTGGGTCCCTGCCCTGTTGTAGGTACTTCCAGTGTGGCCTCCA[A>G]ATATGAAGAGCTGGAGTGCCTCTACGCAGCCGTCGGAAAGGTCATCTATGAAGGGCTCAC-3'
Protein context (NP_001362453.1, residues 2232-2252): TEPSTSSVAS[Lys2242Arg]YEELECLYAA